The following is an entry in ClinVar:

ClinVar aggregate classification (germline): Benign. Review status: criteria provided, multiple submitters, no conflicts (2 of 4 stars). 5 submissions from 5 submitters: Benign (5). Last evaluated 2026-02-03.

Conditions:
Cone dystrophy with supernormal rod response (CDSRR). Also called: CONE DYSTROPHY WITH SUPERNORMAL ROD RESPONSES. Identifiers: Orphanet 209932, MedGen C1835897, MONDO:0012475, OMIM 610356.

Allele frequency attached by ClinVar (database versions not stated): 1000 Genomes Project 0.08027; 1000 Genomes Project 30x 0.08401; ESP Exome Variant Server 0.09457; TOPMed 0.10001; gnomAD 0.10023 and 0.10241; ExAC 0.11275.
gnomAD v4.1: 163,434 of 1,610,338 alleles (10%); highest among the groups gnomAD compares: Admixed American, 16%; 8,982 homozygotes.

Submissions (5):

Labcorp Genetics (formerly Invitae), Labcorp
Classification: Benign. Last evaluated: 2026-02-03. Review status: criteria provided, single submitter. Criteria: Invitae Variant Classification Sherloc (09022015). Collection method: clinical testing. Allele origin: germline.

Illumina Laboratory Services, Illumina
Classification: Benign for Cone dystrophy with supernormal rod response. Last evaluated: 2018-01-12. Review status: criteria provided, single submitter. Criteria: ICSL Variant Classification Criteria 13 December 2019. Collection method: clinical testing. Allele origin: germline.
Comment: This variant was observed in the ICSL laboratory as part of a predisposition screen in an ostensibly healthy population. It had not been previously curated by ICSL or reported in the Human Gene Mutation Database (HGMD: prior to June 1st, 2018), and was therefore a candidate for classification through an automated scoring system. Utilizing variant allele frequency, disease prevalence and penetrance estimates, and inheritance mode, an automated score was calculated to assess if this variant is too frequent to cause the disease. Based on the score and internal cut-off values, a variant classified as benign is not then subjected to further curation. The score for this variant resulted in a classification of benign for this disease.

Eurofins Ntd Llc (ga)
Classification: Benign. Last evaluated: 2014-08-20. Review status: criteria provided, single submitter. Criteria: EGL Classification Definitions 2015. Collection method: clinical testing. Allele origin: germline. Observed: 3 variant alleles, 3 heterozygotes.

Breakthrough Genomics
Classification: Benign. Review status: criteria provided, single submitter. Criteria: ACMG Guidelines, 2015. Collection method: not provided. Allele origin: germline. Inheritance: Autosomal recessive inheritance. Affected: yes.

PreventionGenetics, part of Exact Sciences
Classification: Benign. Review status: criteria provided, single submitter. Criteria: ACMG Guidelines, 2015. Collection method: clinical testing. Allele origin: germline.

NM_133497.4(KCNV2):c.759A>G (p.Pro253=)

Gene: KCNV2 (potassium voltage-gated channel modifier subfamily V member 2; plus strand). Cytogenetic location: 9p24.2.
Variant type: single nucleotide variant.
Coding change: c.759A>G on transcript NM_133497.4 (MANE Select); coding-DNA position 759, A replaced by G.
Protein change: p.Pro253=; no amino-acid change (proline 253 retained).
Molecular consequence: synonymous variant.
Genome position (GRCh38, 1-based): chr9:2,718,498, A>G. VCF-style: chr9-2718498-A-G. GRCh37 (hg19) VCF-style: chr9-2718498-A-G.
Identifiers: ClinVar variation 96361 (VCV000096361.19), dbSNP rs10967709, ClinGen allele CA149465.